The following is an entry in ClinVar:

ClinVar aggregate classification (germline): Uncertain significance (1 of 4 stars; one submission).

Conditions:
PRPH2-related disorder. Also called: PRPH2-related disorders; PRPH2-related condition. Identifiers: MedGen CN239395.

gnomAD v4.1: 2 of 1,608,836 alleles (0.00012%); highest among the groups gnomAD compares: African/African-American, 0.0013%; no homozygotes.

Submission:

Labcorp Genetics (formerly Invitae), Labcorp
Classification: Uncertain significance for PRPH2-related disorder. Last evaluated: 2024-10-29. Review status: criteria provided, single submitter. Criteria: Invitae Variant Classification Sherloc (09022015). Collection method: clinical testing. Allele origin: germline.
Comment: This sequence change replaces isoleucine, which is neutral and non-polar, with valine, which is neutral and non-polar, at codon 272 of the PRPH2 protein (p.Ile272Val). This variant is not present in population databases (gnomAD no frequency). This variant has not been reported in the literature in individuals affected with PRPH2-related conditions. Invitae Evidence Modeling of protein sequence and biophysical properties (such as structural, functional, and spatial information, amino acid conservation, physicochemical variation, residue mobility, and thermodynamic stability) indicates that this missense variant is not expected to disrupt PRPH2 protein function with a negative predictive value of 95%. In summary, the available evidence is currently insufficient to determine the role of this variant in disease. Therefore, it has been classified as a Variant of Uncertain Significance.

NM_000322.5(PRPH2):c.814A>G (p.Ile272Val)

Gene: PRPH2 (peripherin 2; minus strand). Cytogenetic location: 6p21.1.
Variant type: single nucleotide variant.
Coding change: c.814A>G on transcript NM_000322.5 (MANE Select); coding-DNA position 814, A replaced by G.
Protein change: p.Ile272Val; replaces isoleucine 272 with valine.
Molecular consequence: missense variant.
Genome position (GRCh38, 1-based): chr6:42,704,379, T>C on the plus strand (A>G on the coding strand, the complement: PRPH2 is on the minus strand). VCF-style: chr6-42704379-T-C. GRCh37 (hg19) VCF-style: chr6-42672117-T-C.
Other names: short protein forms I272V.
Identifiers: ClinVar variation 3611739 (VCV003611739.2).
Genomic context (GRCh38, chr6:42,704,379, plus strand): 5'-CCGGAGGCTCTCCTTACCCTCTACCCCCAGCTGGCCCAGGGCCTACCTCGAAGAGCCAAA[T>C]GAGGAGCGTGACGACACCCATGGAGTTCATGAGGCTGCTGTAGTAGCTCAGCAGGGCAGC-3'
Protein context (NP_000313.2, residues 262-282): MNSMGVVTLL[Ile272Val]WLFEVTITIG